The following is an entry in ClinVar:

ClinVar aggregate classification (germline): Uncertain significance (1 of 4 stars; one submission).

gnomAD v4.1: 35 of 1,528,854 alleles (0.0023%); highest among the groups gnomAD compares: Non-Finnish European, 0.0028%; no homozygotes.

Submission:

Labcorp Genetics (formerly Invitae), Labcorp
Classification: Uncertain significance. Last evaluated: 2023-02-08. Review status: criteria provided, single submitter. Criteria: Invitae Variant Classification Sherloc (09022015). Collection method: clinical testing. Allele origin: germline.
Comment: In summary, the available evidence is currently insufficient to determine the role of this variant in disease. Therefore, it has been classified as a Variant of Uncertain Significance. This sequence change creates a premature translational stop signal (p.Glu124*) in the MESP1 gene. It is expected to result in an absent or disrupted protein product. However, the current clinical and genetic evidence is not sufficient to establish whether loss-of-function variants in MESP1 cause disease. The frequency data for this variant in the population databases is considered unreliable, as metrics indicate poor data quality at this position in the gnomAD database. This variant has not been reported in the literature in individuals affected with MESP1-related conditions.

NM_018670.4(MESP1):c.370G>T (p.Glu124Ter)

Gene: MESP1 (mesoderm posterior bHLH transcription factor 1; minus strand). Cytogenetic location: 15q26.1.
Variant type: single nucleotide variant.
Coding change: c.370G>T on transcript NM_018670.4 (MANE Select); coding-DNA position 370, G replaced by T.
Protein change: p.Glu124Ter; replaces glutamic acid 124 with a stop codon.
Molecular consequence: nonsense.
Genome position (GRCh38, 1-based): chr15:89,750,862, C>A on the plus strand (G>T on the coding strand, the complement: MESP1 is on the minus strand). VCF-style: chr15-89750862-C-A. GRCh37 (hg19) VCF-style: chr15-90294093-C-A.
Other names: short protein forms E124*.
Identifiers: ClinVar variation 3016040 (VCV003016040.3), dbSNP rs528905038, ClinGen allele CA7730220.